The following is an entry in ClinVar:

ClinVar aggregate classification (germline): Uncertain significance. Review status: criteria provided, multiple submitters, no conflicts (2 of 4 stars). 2 submissions from 2 submitters: Uncertain significance (2). Last evaluated 2022-07-18.

Conditions:
Methylmalonic aciduria due to methylmalonyl-CoA mutase deficiency (MAMM). Also called: Methylmalonic aciduria, mut type. Identifiers: Orphanet 27, MedGen C1855114, MONDO:0009612, OMIM 251000.

Allele frequency attached by ClinVar (database versions not stated): gnomAD 0.00001; gnomAD exomes 0.00001 and 0.00003; TOPMed 0.00001; ExAC 0.00002.
gnomAD v4.1: 22 of 1,614,020 alleles (0.0014%); highest among the groups gnomAD compares: Admixed American, 0.01%; no homozygotes.

Submissions (2):

Labcorp Genetics (formerly Invitae), Labcorp
Classification: Uncertain significance. Last evaluated: 2022-07-18. Review status: criteria provided, single submitter. Criteria: Invitae Variant Classification Sherloc (09022015). Collection method: clinical testing. Allele origin: germline.
Comment: This sequence change replaces asparagine, which is neutral and polar, with serine, which is neutral and polar, at codon 120 of the MUT protein (p.Asn120Ser). This variant is present in population databases (rs776108716, gnomAD 0.01%). This variant has not been reported in the literature in individuals affected with MUT-related conditions. ClinVar contains an entry for this variant (Variation ID: 1442049). Algorithms developed to predict the effect of missense changes on protein structure and function are either unavailable or do not agree on the potential impact of this missense change (SIFT: "Deleterious"; PolyPhen-2: "Probably Damaging"; Align-GVGD: "Class C0"). Algorithms developed to predict the effect of sequence changes on RNA splicing suggest that this variant may disrupt the consensus splice site. In summary, the available evidence is currently insufficient to determine the role of this variant in disease. Therefore, it has been classified as a Variant of Uncertain Significance.

Fulgent Genetics
Classification: Uncertain significance for Methylmalonic aciduria due to methylmalonyl-CoA mutase deficiency. Last evaluated: 2022-01-05. Review status: criteria provided, single submitter. Criteria: ACMG Guidelines, 2015. Collection method: clinical testing. Allele origin: unknown.

NM_000255.4(MMUT):c.359A>G (p.Asn120Ser)

Gene: MMUT (methylmalonyl-CoA mutase; minus strand). Cytogenetic location: 6p12.3.
Variant type: single nucleotide variant.
Coding change: c.359A>G on transcript NM_000255.4 (MANE Select); coding-DNA position 359, A replaced by G.
Protein change: p.Asn120Ser; replaces asparagine 120 with serine.
Molecular consequence: missense variant.
Genome position (GRCh38, 1-based): chr6:49,459,108, T>C on the plus strand (A>G on the coding strand, the complement: MMUT is on the minus strand). VCF-style: chr6-49459108-T-C. GRCh37 (hg19) VCF-style: chr6-49426821-T-C.
Other names: short protein forms N120S.
Identifiers: ClinVar variation 1442049 (VCV001442049.4), dbSNP rs776108716, ClinGen allele CA3847135.